The following is an entry in ClinVar:

NM_005188.4(CBL):c.1745C>T (p.Pro582Leu)

Gene: CBL (Cbl proto-oncogene; plus strand). Cytogenetic location: 11q23.3.
Variant type: single nucleotide variant.
Coding change: c.1745C>T on transcript NM_005188.4 (MANE Select); coding-DNA position 1745, C replaced by T.
Protein change: p.Pro582Leu; replaces proline 582 with leucine.
Molecular consequence: missense variant.
Genome position (GRCh38, 1-based): chr11:119,285,370, C>T. VCF-style: chr11-119285370-C-T. GRCh37 (hg19) VCF-style: chr11-119156080-C-T.
Other names: c.1745C>T (NM_005188.3, NM_005188.2); short protein forms P582L.
Identifiers: ClinVar variation 1386678 (VCV001386678.12), dbSNP rs1949975295, ClinGen allele CA382919976.

ClinVar aggregate classification (germline): Uncertain significance. Review status: criteria provided, multiple submitters, no conflicts (2 of 4 stars). 3 submissions from 3 submitters: Uncertain significance (2). 1 of the submissions does not count toward it. Last evaluated 2025-10-24.

Conditions:
CBL-related disorder. Also called: CBL MUTATION-ASSOCIATED SYNDROME; CBL SYNDROME; NOONAN SYNDROME-LIKE DISORDER WITHOUT JUVENILE MYELOMONOCYTIC LEUKEMIA. Identifiers: Orphanet 363972, MedGen C3150803, MONDO:0013308, OMIM 613563.
Cardiovascular phenotype. Identifiers: MedGen CN230736.
RASopathy. Also called: Noonan spectrum disorder; rasopathies. Identifiers: Orphanet 536391, MedGen C5555857, MONDO:0021060.

Allele frequency attached by ClinVar (database versions not stated): gnomAD exomes below 0.00001; TOPMed below 0.00001.
gnomAD v4.1: 1 of 1,614,186 alleles (0.000062%); highest among the groups gnomAD compares: Non-Finnish European, 0.000085%; no homozygotes.

Submissions (3):

Ambry Genetics
Classification: Uncertain significance for Cardiovascular phenotype. Last evaluated: 2025-10-24. Review status: criteria provided, single submitter. Criteria: Ambry Variant Classification Scheme 2023. Collection method: clinical testing. Allele origin: germline.

Labcorp Genetics (formerly Invitae), Labcorp
Classification: Uncertain significance for RASopathy. Last evaluated: 2021-05-17. Review status: criteria provided, single submitter. Criteria: Invitae Variant Classification Sherloc (09022015). Collection method: clinical testing. Allele origin: germline.
Comment: In summary, the available evidence is currently insufficient to determine the role of this variant in disease. Therefore, it has been classified as a Variant of Uncertain Significance. Advanced modeling of protein sequence and biophysical properties (such as structural, functional, and spatial information, amino acid conservation, physicochemical variation, residue mobility, and thermodynamic stability) performed at Invitae indicates that this missense variant is not expected to disrupt CBL protein function. This variant has not been reported in the literature in individuals with CBL-related conditions. This variant is not present in population databases (ExAC no frequency). This sequence change replaces proline with leucine at codon 582 of the CBL protein (p.Pro582Leu). The proline residue is moderately conserved and there is a moderate physicochemical difference between proline and leucine.

PreventionGenetics, part of Exact Sciences
Classification: Uncertain significance for CBL-related condition. Last evaluated: 2024-01-24. Review status: no assertion criteria provided. Collection method: clinical testing. Allele origin: germline. Not counted in ClinVar's aggregate classification.
Comment: The CBL c.1745C>T variant is predicted to result in the amino acid substitution p.Pro582Leu. To our knowledge, this variant has not been reported in the literature or in a large population database, indicating this variant is rare. At this time, the clinical significance of this variant is uncertain due to the absence of conclusive functional and genetic evidence.